The following is an entry in ClinVar:

ClinVar aggregate classification (germline): Uncertain significance. Review status: criteria provided, multiple submitters, no conflicts (2 of 4 stars). 2 submissions from 2 submitters: Uncertain significance (2). Last evaluated 2022-03-17.

Conditions:
Inborn genetic diseases. Identifiers: MedGen C0950123, MeSH D030342.

gnomAD v4.1: 13 of 1,613,288 alleles (0.00081%); highest among the groups gnomAD compares: Admixed American, 0.013%; no homozygotes.

Submissions (2):

Labcorp Genetics (formerly Invitae), Labcorp
Classification: Uncertain significance. Last evaluated: 2022-03-17. Review status: criteria provided, single submitter. Criteria: Invitae Variant Classification Sherloc (09022015). Collection method: clinical testing. Allele origin: germline.
Comment: This sequence change replaces aspartic acid, which is acidic and polar, with glycine, which is neutral and non-polar, at codon 566 of the EIF2AK3 protein (p.Asp566Gly). This variant is present in population databases (rs55791823, gnomAD 0.02%). This variant has not been reported in the literature in individuals affected with EIF2AK3-related conditions. Algorithms developed to predict the effect of missense changes on protein structure and function are either unavailable or do not agree on the potential impact of this missense change (SIFT: "Deleterious"; PolyPhen-2: "Benign"; Align-GVGD: "Class C0"). In summary, the available evidence is currently insufficient to determine the role of this variant in disease. Therefore, it has been classified as a Variant of Uncertain Significance.

Ambry Genetics
Classification: Uncertain significance for Inborn genetic diseases. Last evaluated: 2021-03-31. Review status: criteria provided, single submitter. Criteria: Ambry Variant Classification Scheme 2023. Collection method: clinical testing. Allele origin: germline.

NM_004836.7(EIF2AK3):c.1697A>G (p.Asp566Gly)

Gene: EIF2AK3 (eukaryotic translation initiation factor 2 alpha kinase 3; minus strand). Cytogenetic location: 2p11.2.
Variant type: single nucleotide variant.
Coding change: c.1697A>G on transcript NM_004836.7 (MANE Select); coding-DNA position 1697, A replaced by G.
Protein change: p.Asp566Gly; replaces aspartic acid 566 with glycine.
Molecular consequence: missense variant.
Genome position (GRCh38, 1-based): chr2:88,583,496, T>C on the plus strand (A>G on the coding strand, the complement: EIF2AK3 is on the minus strand). VCF-style: chr2-88583496-T-C. GRCh37 (hg19) VCF-style: chr2-88883014-T-C.
Other names: c.1244A>G, p.Asp415Gly (NM_001313915.2); short protein forms D566G, D415G.
Identifiers: ClinVar variation 1924560 (VCV001924560.3), dbSNP rs55791823, ClinGen allele CA1754625.